The following is an entry in ClinVar:

NM_000094.4(COL7A1):c.8770G>A (p.Ala2924Thr)

Gene: COL7A1 (collagen type VII alpha 1 chain; minus strand). Cytogenetic location: 3p21.31.
Variant type: single nucleotide variant.
Coding change: c.8770G>A on transcript NM_000094.4 (MANE Select); coding-DNA position 8770, G replaced by A.
Protein change: p.Ala2924Thr; replaces alanine 2924 with threonine.
Molecular consequence: missense variant.
Genome position (GRCh38, 1-based): chr3:48,564,831, C>T on the plus strand (G>A on the coding strand, the complement: COL7A1 is on the minus strand). VCF-style: chr3-48564831-C-T. GRCh37 (hg19) VCF-style: chr3-48602264-C-T.
Other names: short protein forms A2924T.
Identifiers: ClinVar variation 2653793 (VCV002653793.24), dbSNP rs2530795314, ClinGen allele CA352632741.

ClinVar aggregate classification (germline): Uncertain significance (1 of 4 stars; one submission).

Allele frequency attached by ClinVar (database versions not stated): gnomAD exomes 0.00001.
gnomAD v4.1: 8 of 1,614,070 alleles (0.0005%); highest among the groups gnomAD compares: South Asian, 0.0022%; no homozygotes.

Submission:

CeGaT Center for Human Genetics Tuebingen
Classification: Uncertain significance. Last evaluated: 2023-08-01. Review status: criteria provided, single submitter. Criteria: CeGaT Center For Human Genetics Tuebingen Variant Classification Criteria Version 2. Collection method: clinical testing. Allele origin: germline. Affected: yes. Observed: 1 variant allele.
Comment: COL7A1: PM2, BP4